The following is an entry in ClinVar:

NM_006767.4(LZTR1):c.612_627del (p.Ile205fs)

Gene: LZTR1 (leucine zipper like post translational regulator 1; plus strand). Cytogenetic location: 22q11.21.
Variant type: Deletion.
Coding change: c.612_627del on transcript NM_006767.4 (MANE Select); coding-DNA positions 612 to 627, 16 bases deleted (AATTGGCCTCCAGGAC).
Protein change: p.Ile205fs; shifts the reading frame from isoleucine 205.
Molecular consequence: frameshift variant.
Genome position (GRCh38, 1-based): chr22:20,989,643-20,989,658, AATTGGCCTCCAGGAC deleted; deleting any 16 consecutive bases within chr22:20,989,639-20,989,658 gives the same sequence; the c. name uses the placement nearest the transcript's 3' end. VCF-style (leftmost placement, unchanged base first): chr22-20989638-TGGACAATTGGCCTCCA-T. GRCh37 (hg19) VCF-style: chr22-21343927-TGGACAATTGGCCTCCA-T.
Other names: short protein forms I205fs.
Identifiers: ClinVar variation 5023754 (VCV005023754.1).

ClinVar aggregate classification (germline): Pathogenic (1 of 4 stars; one submission).

Conditions:
Cardiovascular phenotype. Identifiers: MedGen CN230736.
Hereditary cancer-predisposing syndrome. Also called: Neoplastic Syndromes, Hereditary; Tumor predisposition; Hereditary neoplastic syndrome; Hereditary Cancer Syndrome. Identifiers: Orphanet 140162, MedGen C0027672, MeSH D009386, MONDO:0015356.

Submission:

Ambry Genetics
Classification: Pathogenic for Cardiovascular phenotype; Hereditary cancer-predisposing syndrome. Last evaluated: 2026-06-30. Review status: criteria provided, single submitter. Criteria: Ambry Variant Classification Scheme 2023. Collection method: clinical testing. Allele origin: germline.
Comment: The c.612_627del16 pathogenic mutation, located in coding exon 7 of the LZTR1 gene, results from a deletion of 16 nucleotides at nucleotide positions 612 to 627, causing a translational frameshift with a predicted alternate stop codon (p.I205Efs*42). This alteration is expected to result in loss of function by premature protein truncation or nonsense-mediated mRNA decay. This variant is considered to be rare based on population cohorts in the Genome Aggregation Database (gnomAD). This nucleotide position is well conserved in available vertebrate species. In silico splice site analysis predicts that this alteration may weaken the native splice acceptor site. RNA studies have demonstrated that this variant results in abnormal splicing in the set of samples tested (Ambry internal data). Loss-of-function variants in LZTR1 are related to an increased risk for schwannomas and autosomal recessive Noonan syndrome; however, such associations with autosomal dominant Noonan syndrome have not been observed (Piotrowski A et al. Nat Genet. 2014 Feb;46:182-7; Yamamoto GL et al. J Med Genet. 2015 Jun;52:413-21; Johnston JJ et al. Genet Med. 2018 10;20:1175-1185). Based on the supporting evidence, this variant is pathogenic for an increased risk of LZTR1-related schwannomatosis (SWN) and would be expected to cause autosomal recessive Noonan syndrome when present along with a second pathogenic or likely pathogenic variant on the other allele; however, the association of this variant with autosomal dominant Noonan syndrome is unlikely.